The following is an entry in ClinVar:

ClinVar aggregate classification (germline): Pathogenic (1 of 4 stars; one submission).

Submission:

GeneDx
Classification: Pathogenic. Last evaluated: 2023-03-03. Review status: criteria provided, single submitter. Criteria: GeneDx Variant Classification Process June 2021. Collection method: clinical testing. Allele origin: germline. Affected: yes.
Comment: Nonsense variant predicted to result in protein truncation, as the last 131 amino acids are lost, and other loss-of-function variants have been reported downstream in HGMD; Not observed at significant frequency in large population cohorts (gnomAD); This variant is associated with the following publications: (PMID: 30980954)

NM_024408.4(NOTCH2):c.7021C>T (p.Gln2341Ter)

Gene: NOTCH2 (notch receptor 2; minus strand). Cytogenetic location: 1p12.
Variant type: single nucleotide variant.
Coding change: c.7021C>T on transcript NM_024408.4 (MANE Select); coding-DNA position 7021, C replaced by T.
Protein change: p.Gln2341Ter; replaces glutamine 2341 with a stop codon.
Molecular consequence: nonsense.
Genome position (GRCh38, 1-based): chr1:119,915,701, G>A on the plus strand (C>T on the coding strand, the complement: NOTCH2 is on the minus strand). VCF-style: chr1-119915701-G-A. GRCh37 (hg19) VCF-style: chr1-120458324-G-A.
Other names: short protein forms Q2341*.
Identifiers: ClinVar variation 2578107 (VCV002578107.1), dbSNP rs2526104121, ClinGen allele CA341874132.